The following is an entry in ClinVar:

NM_001080449.3(DNA2):c.2013C>T (p.Ser671=)

Gene: DNA2 (DNA replication helicase/nuclease 2; minus strand). Cytogenetic location: 10q21.3.
Variant type: single nucleotide variant.
Coding change: c.2013C>T on transcript NM_001080449.3 (MANE Select); coding-DNA position 2013, C replaced by T.
Protein change: p.Ser671=; no amino-acid change (serine 671 retained).
Molecular consequence: synonymous variant.
Genome position (GRCh38, 1-based): chr10:68,430,631, G>A on the plus strand (C>T on the coding strand, the complement: DNA2 is on the minus strand). VCF-style: chr10-68430631-G-A. GRCh37 (hg19) VCF-style: chr10-70190388-G-A.
Identifiers: ClinVar variation 3620626 (VCV003620626.6).

ClinVar aggregate classification (germline): Likely benign. Review status: criteria provided, multiple submitters, no conflicts (2 of 4 stars). 2 submissions from 2 submitters: Likely benign (2). Last evaluated 2026-01-01.

gnomAD v4.1: 7 of 1,601,768 alleles (0.00044%); highest among the groups gnomAD compares: Admixed American, 0.0017%; no homozygotes.

Submissions (2):

CeGaT Center for Human Genetics Tuebingen
Classification: Likely benign. Last evaluated: 2026-01-01. Review status: criteria provided, single submitter. Criteria: CeGaT Center For Human Genetics Tuebingen Variant Classification Criteria Version 2. Collection method: clinical testing. Allele origin: germline. Affected: yes. Observed: 1 variant allele.
Comment: DNA2: BP4, BP7

Labcorp Genetics (formerly Invitae), Labcorp
Classification: Likely benign. Last evaluated: 2025-11-16. Review status: criteria provided, single submitter. Criteria: Invitae Variant Classification Sherloc (09022015). Collection method: clinical testing. Allele origin: germline.